The following is an entry in ClinVar:

NM_005592.4(MUSK):c.2158A>G (p.Lys720Glu)

Gene: MUSK (muscle associated receptor tyrosine kinase; plus strand). Cytogenetic location: 9q31.3.
Variant type: single nucleotide variant.
Coding change: c.2158A>G on transcript NM_005592.4 (MANE Select); coding-DNA position 2158, A replaced by G.
Protein change: p.Lys720Glu; replaces lysine 720 with glutamic acid.
Molecular consequence: missense variant.
Genome position (GRCh38, 1-based): chr9:110,800,536, A>G. VCF-style: chr9-110800536-A-G. GRCh37 (hg19) VCF-style: chr9-113562816-A-G.
Other names: c.1900A>G, p.Lys634Glu (NM_001166280.2); c.1870A>G, p.Lys624Glu (NM_001166281.2); c.898A>G, p.Lys300Glu (NM_001369398.1); short protein forms K300E, K624E, K634E, K720E.
Identifiers: ClinVar variation 4854837 (VCV004854837.2).
Genomic context (GRCh38, chr9:110,800,536, plus strand): 5'-GCTGAGCAGCTTTGCATTGCCAGGCAGGTGGCAGCTGGCATGGCTTACCTCTCAGAACGT[A>G]AGTTTGTTCACCGAGATTTAGCCACCAGGAACTGCCTGGTGGGCGAGAACATGGTGGTGA-3'
Protein context (NP_005583.1, residues 710-730): AAGMAYLSER[Lys720Glu]FVHRDLATRN

ClinVar aggregate classification (germline): Likely pathogenic. Review status: criteria provided, multiple submitters, no conflicts (2 of 4 stars). 2 submissions from 2 submitters: Likely pathogenic (2). Last evaluated 2025-09-01.

Conditions:
Congenital myasthenic syndrome 9. Also called: Myasthenic syndrome, congenital, 9, associated with acetylcholine receptor deficiency. Identifiers: Orphanet 590, MedGen C4225368, MONDO:0014587, OMIM 616325.
MUSK-related disorder. Also called: MUSK-related condition; MUSK-related disorders.

gnomAD v4.1: 12 of 1,613,478 alleles (0.00074%); highest among the groups gnomAD compares: Non-Finnish European, 0.001%; no homozygotes.

Submissions (2):

3billion
Classification: Likely pathogenic for Congenital myasthenic syndrome 9. Last evaluated: 2025-09-01. Review status: criteria provided, single submitter. Criteria: ACMG Guidelines, 2015. Collection method: clinical testing. Allele origin: germline. Affected: yes.
Comment: The variant is observed at an extremely low frequency in the gnomAD v4.1.0 dataset (total allele frequency: <0.001%). Predicted Consequence/Location: Missense variant. The majority of the known disease-causing variants of this gene are variants expected to result in premature termination of the protein. In silico tool predictions suggest damaging effect of the variant on gene or gene product [REVEL: 0.79 (>=0.6, sensitivity 0.68 and specificity 0.92)]. The same nucleotide change resulting in the same amino acid change has been previously reported to be associated with MUSK-related disorder (PMID: 25695962).The variant has been reported to be in trans with a pathogenic variant as either compound heterozygous or homozygous in at least one similarly affected unrelated individual (PMID: 25695962). Therefore, this variant is classified as Likely pathogenic according to the recommendation of ACMG/AMP guideline.

Blueprint Genetics
Classification: Likely pathogenic for MUSK-related disorders. Last evaluated: 2018-11-29. Review status: criteria provided, single submitter. Criteria: ACMG Guidelines, 2015. Collection method: clinical testing. Allele origin: germline. Affected: yes. Observed: 2 variant alleles.

Literature cited by the submitters: PubMed 25695962 (cited by 3billion).